The following is an entry in ClinVar:

ClinVar aggregate classification (germline): Uncertain significance (1 of 4 stars; one submission).

Submission:

GeneDx
Classification: Uncertain significance. Last evaluated: 2017-02-20. Review status: criteria provided, single submitter. Criteria: GeneDx Variant Classification (06012015). Collection method: clinical testing. Allele origin: germline. Affected: yes.
Comment: The R3886S variant in the PKD1 gene has not been reported previously as a pathogenic variant, nor as a benign variant, to our knowledge. Population data in the NHLBI Exome Sequencing Project and Exome Aggregation Consortium (ExAC) dataset are low quality and are therefore unreliable. The R3886S variant is a semi-conservative amino acid substitution, which may impact secondary protein structure as these residues differ in some properties. However, this substitution occurs at a position that is not conserved and in silico analysis predicts this variant likely does not alter the protein structure/function. Therefore, we interpret R3886S as a variant of uncertain significance

NM_001009944.3(PKD1):c.11656C>A (p.Arg3886Ser)

Genes: PKD1 (polycystin 1, transient receptor potential channel interacting; minus strand), PKD1-AS1 (PKD1 antisense RNA 1; plus strand). Cytogenetic location: 16p13.3.
Variant type: single nucleotide variant.
Coding change: c.11656C>A on transcript NM_001009944.3 (MANE Select); coding-DNA position 11656, C replaced by A.
Protein change: p.Arg3886Ser; replaces arginine 3886 with serine.
Molecular consequence: missense variant. On other transcripts: non-coding transcript variant (1).
Genome position (GRCh38, 1-based): chr16:2,091,479, G>T on the plus strand (C>A on the coding strand, the complement: PKD1 is on the minus strand). VCF-style: chr16-2091479-G-T. GRCh37 (hg19) VCF-style: chr16-2141480-G-T.
Other names: c.11653C>A, p.Arg3885Ser (NM_000296.4); short protein forms R3886S, R3885S.
Identifiers: ClinVar variation 387523 (VCV000387523.2), dbSNP rs1057522812, ClinGen allele CA16608088.